The following is an entry in ClinVar:

NM_005188.4(CBL):c.2072A>C (p.Gln691Pro)

Gene: CBL (Cbl proto-oncogene; plus strand). Cytogenetic location: 11q23.3.
Variant type: single nucleotide variant.
Coding change: c.2072A>C on transcript NM_005188.4 (MANE Select); coding-DNA position 2072, A replaced by C.
Protein change: p.Gln691Pro; replaces glutamine 691 with proline.
Molecular consequence: missense variant.
Genome position (GRCh38, 1-based): chr11:119,296,953, A>C. VCF-style: chr11-119296953-A-C. GRCh37 (hg19) VCF-style: chr11-119167663-A-C.
Other names: short protein forms Q691P.
Identifiers: ClinVar variation 2567310 (VCV002567310.2), dbSNP rs2496971023, ClinGen allele CA382926685.
Genomic context (GRCh38, chr11:119,296,953, plus strand): 5'-CTATTTTTTATTCTTCATCTTCCAGACCTCTTCCTGTGCCAAAACTGCCACCTGGGGAGC[A>C]ATGTGAGGGTGAAGAGGACACAGAGTACATGACTCCCTCTTCCAGGCCTCTACGGCCTTT-3'
Protein context (NP_005179.2, residues 681-701): LPVPKLPPGE[Gln691Pro]CEGEEDTEYM

ClinVar aggregate classification (germline): Uncertain significance (1 of 4 stars; one submission).

Conditions:
Cardiovascular phenotype. Identifiers: MedGen CN230736.

Submission:

Ambry Genetics
Classification: Uncertain significance for Cardiovascular phenotype. Last evaluated: 2023-06-09. Review status: criteria provided, single submitter. Criteria: Ambry Variant Classification Scheme 2023. Collection method: clinical testing. Allele origin: germline.
Comment: The p.Q691P variant (also known as c.2072A>C), located in coding exon 13 of the CBL gene, results from an A to C substitution at nucleotide position 2072. The glutamine at codon 691 is replaced by proline, an amino acid with similar properties. This amino acid position is conserved. In addition, this alteration is predicted to be tolerated by in silico analysis. Since supporting evidence is limited at this time, the clinical significance of this alteration remains unclear.